The following is an entry in ClinVar:

NM_001164508.2(NEB):c.21773A>G (p.His7258Arg)

Genes: NEB (nebulin; minus strand), RIF1 (replication timing regulatory factor 1; plus strand). Cytogenetic location: 2q23.3.
Variant type: single nucleotide variant.
Coding change: c.21773A>G on transcript NM_001164508.2 (MANE Select); coding-DNA position 21773, A replaced by G.
Protein change: p.His7258Arg; replaces histidine 7258 with arginine.
Molecular consequence: missense variant.
Genome position (GRCh38, 1-based): chr2:151,527,548, T>C on the plus strand (A>G on the coding strand, the complement: NEB is on the minus strand). VCF-style: chr2-151527548-T-C. GRCh37 (hg19) VCF-style: chr2-152384062-T-C.
Other names: c.16670A>G (NM_004543.4); c.21773A>G, p.His7258Arg (NM_001164507.2); c.21878A>G, p.His7293Arg (NM_001271208.2); c.16670A>G, p.His5557Arg (NM_004543.5); short protein forms H7258R, H5557R, H7293R.
Identifiers: ClinVar variation 2181752 (VCV002181752.2), dbSNP rs781495845, ClinGen allele CA1906881.

ClinVar aggregate classification (germline): Uncertain significance. Review status: criteria provided, multiple submitters, no conflicts (2 of 4 stars). 2 submissions from 2 submitters: Uncertain significance (2). Last evaluated 2025-06-23.

Conditions:
Nemaline myopathy 2 (NEM2). Also called: Nemaline myopathy 2, autosomal recessive. Identifiers: MedGen C1850569, MONDO:0009725, OMIM 256030.
Inborn genetic diseases. Identifiers: MedGen C0950123, MeSH D030342.

Allele frequency attached by ClinVar (database versions not stated): gnomAD exomes below 0.00001; TOPMed below 0.00001; ExAC 0.00001.
gnomAD v4.1: 6 of 1,613,322 alleles (0.00037%); highest among the groups gnomAD compares: Non-Finnish European, 0.00051%; no homozygotes.

Submissions (2):

Ambry Genetics
Classification: Uncertain significance for Inborn genetic diseases. Last evaluated: 2025-06-23. Review status: criteria provided, single submitter. Criteria: Ambry Variant Classification Scheme 2023. Collection method: clinical testing. Allele origin: germline.

Labcorp Genetics (formerly Invitae), Labcorp
Classification: Uncertain significance for Nemaline myopathy 2. Last evaluated: 2022-07-12. Review status: criteria provided, single submitter. Criteria: Invitae Variant Classification Sherloc (09022015). Collection method: clinical testing. Allele origin: germline.
Comment: This sequence change replaces histidine, which is basic and polar, with arginine, which is basic and polar, at codon 7293 of the NEB protein (p.His7293Arg). This variant is present in population databases (rs781495845, gnomAD 0.002%). This variant has not been reported in the literature in individuals affected with NEB-related conditions. Algorithms developed to predict the effect of missense changes on protein structure and function are either unavailable or do not agree on the potential impact of this missense change (SIFT: "Deleterious"; PolyPhen-2: "Not Available"; Align-GVGD: "Class C0"). In summary, the available evidence is currently insufficient to determine the role of this variant in disease. Therefore, it has been classified as a Variant of Uncertain Significance.